The following is an entry in ClinVar:

ClinVar aggregate classification (germline): Pathogenic (1 of 4 stars; one submission).

Conditions:
Epilepsy, familial focal, with variable foci 3 (FFEVF3). Identifiers: MedGen C4310708, MONDO:0014925, OMIM 617118.

Submission:

Labcorp Genetics (formerly Invitae), Labcorp
Classification: Pathogenic for Epilepsy, familial focal, with variable foci 3. Last evaluated: 2019-06-09. Review status: criteria provided, single submitter. Criteria: Invitae Variant Classification Sherloc (09022015). Collection method: clinical testing. Allele origin: germline.
Comment: For these reasons, this variant has been classified as Pathogenic. Loss-of-function variants in NPRL3 are known to be pathogenic (PMID: 26285051, 26505888). This variant has not been reported in the literature in individuals with NPRL3-related conditions. This variant is not present in population databases (ExAC no frequency). This sequence change creates a premature translational stop signal (p.Leu445Profs*13) in the NPRL3 gene. It is expected to result in an absent or disrupted protein product.

Literature cited by the submitters: PubMed 26285051; PubMed 26505888.

NM_001077350.3(NPRL3):c.1332_1333dup (p.Leu445fs)

Genes: HBA-LCR (alpha-globin locus control region; plus strand), NPRL3 (NPR3 like, GATOR1 complex subunit; minus strand). Cytogenetic location: 16p13.3.
Variant type: Duplication.
Coding change: c.1332_1333dup on transcript NM_001077350.3 (MANE Select); coding-DNA positions 1332 to 1333, 2 bases duplicated (CC; older notation c.1332_1333dupCC).
Protein change: p.Leu445fs; shifts the reading frame from leucine 445.
Molecular consequence: frameshift variant.
Genome position (GRCh38, 1-based): chr16:89,731-89,732, GG duplicated on the plus strand (CC on the coding strand, the reverse complement: NPRL3 is on the minus strand); duplicating any 2 consecutive bases within chr16:89,731-89,733 gives the same sequence; the c. name uses the placement nearest the transcript's 3' end. VCF-style (leftmost placement, unchanged base first): chr16-89730-A-AGG. GRCh37 (hg19) VCF-style: chr16-139728-A-AGG.
Other names: c.795_796dup, p.Leu266fs (NM_001039476.3); c.1098_1099dup, p.Leu367fs (NM_001243247.2); c.1257_1258dup, p.Leu420fs (NM_001243248.2, NM_001243249.2); short protein forms L266fs, L420fs, L445fs, L367fs.
Identifiers: ClinVar variation 854706 (VCV000854706.7), dbSNP rs1898675878, ClinGen allele CA916083456.